The following is an entry in ClinVar:

ClinVar aggregate classification (germline): Likely benign. Review status: criteria provided, multiple submitters, no conflicts (2 of 4 stars). 2 submissions from 2 submitters: Likely benign (2). Last evaluated 2025-09-03.

Conditions:
NOTCH2-related disorder. Also called: NOTCH2-related condition.
Hajdu-Cheney syndrome (HJCYS). Also called: ACROOSTEOLYSIS WITH OSTEOPOROSIS AND CHANGES IN SKULL AND MANDIBLE; Acroosteolysis dominant type; SERPENTINE FIBULA-POLYCYSTIC KIDNEY SYNDROME. Identifiers: Orphanet 955, MedGen C0917715, MONDO:0007057, OMIM 102500.

gnomAD v4.1: 5 of 1,612,624 alleles (0.00031%); highest among the groups gnomAD compares: African/African-American, 0.0067%; no homozygotes.

Submissions (2):

PreventionGenetics, part of Exact Sciences
Classification: Likely benign for NOTCH2-related condition. Last evaluated: 2025-09-03. Review status: criteria provided, single submitter. Criteria: ACMG Guidelines, 2015. Collection method: clinical testing. Allele origin: germline.
Comment: This variant is classified as likely benign based on ACMG/AMP sequence variant interpretation guidelines (Richards et al. 2015 PMID: 25741868, with internal and published modifications).

Labcorp Genetics (formerly Invitae), Labcorp
Classification: Likely benign for Hajdu-Cheney syndrome. Last evaluated: 2025-05-01. Review status: criteria provided, single submitter. Criteria: Invitae Variant Classification Sherloc (09022015). Collection method: clinical testing. Allele origin: germline.

NM_024408.4(NOTCH2):c.6007C>A (p.Arg2003=)

Gene: NOTCH2 (notch receptor 2; minus strand). Cytogenetic location: 1p12.
Variant type: single nucleotide variant.
Coding change: c.6007C>A on transcript NM_024408.4 (MANE Select); coding-DNA position 6007, C replaced by A.
Protein change: p.Arg2003=; no amino-acid change (arginine 2003 retained).
Molecular consequence: synonymous variant.
Genome position (GRCh38, 1-based): chr1:119,917,685, G>T on the plus strand (C>A on the coding strand, the complement: NOTCH2 is on the minus strand). VCF-style: chr1-119917685-G-T. GRCh37 (hg19) VCF-style: chr1-120460308-G-T.
Other names: c.6007C>A (NM_024408.3).
Identifiers: ClinVar variation 2200824 (VCV002200824.5), dbSNP rs312262801, ClinGen allele CA420035524.